The following is an entry in ClinVar:

ClinVar aggregate classification (germline): Benign (1 of 4 stars; one submission).

Allele frequency attached by ClinVar (database versions not stated): 1000 Genomes Project 0.00120; 1000 Genomes Project 30x 0.00125; gnomAD 0.00137; TOPMed 0.00155; ESP Exome Variant Server 0.00168.
gnomAD v4.1: 568 of 1,611,428 alleles (0.035%); highest among the groups gnomAD compares: African/African-American, 0.46%; 17 homozygotes.

Submission:

CeGaT Center for Human Genetics Tuebingen
Classification: Benign. Last evaluated: 2022-04-01. Review status: criteria provided, single submitter. Criteria: CeGaT Center For Human Genetics Tuebingen Variant Classification Criteria Version 2. Collection method: clinical testing. Allele origin: germline. Affected: yes. Observed: 1 variant allele.
Comment: AHNAK2: BS1, BS2

NM_138420.4(AHNAK2):c.7176G>A (p.Pro2392=)

Gene: AHNAK2 (AHNAK nucleoprotein 2; minus strand). Cytogenetic location: 14q32.33.
Variant type: single nucleotide variant.
Coding change: c.7176G>A on transcript NM_138420.4 (MANE Select); coding-DNA position 7176, G replaced by A.
Protein change: p.Pro2392=; no amino-acid change (proline 2392 retained).
Molecular consequence: synonymous variant.
Genome position (GRCh38, 1-based): chr14:104,948,275, C>T on the plus strand (G>A on the coding strand, the complement: AHNAK2 is on the minus strand). VCF-style: chr14-104948275-C-T. GRCh37 (hg19) VCF-style: chr14-105414612-C-T.
Other names: c.6876G>A, p.Pro2292= (NM_001350929.2).
Identifiers: ClinVar variation 2644729 (VCV002644729.24), dbSNP rs181068012, ClinGen allele CA7380724.